The following is an entry in ClinVar:

ClinVar aggregate classification (germline): Uncertain significance. Review status: criteria provided, multiple submitters, no conflicts (2 of 4 stars). 2 submissions from 2 submitters: Uncertain significance (2). Last evaluated 2022-09-06.

Conditions:
Inborn genetic diseases. Identifiers: MedGen C0950123, MeSH D030342.
Evans syndrome, immunodeficiency, and premature immunosenescence associated with tripeptidyl-peptidase II deficiency. Identifiers: MedGen CN231723. Disease mechanism: loss of function.

Allele frequency attached by ClinVar (database versions not stated): gnomAD exomes below 0.00001 and 0.00001; gnomAD 0.00001; TOPMed 0.00002.
gnomAD v4.1: 9 of 1,613,858 alleles (0.00056%); highest among the groups gnomAD compares: Admixed American, 0.0083%; no homozygotes.

Submissions (2):

Ambry Genetics
Classification: Uncertain significance for Inborn genetic diseases. Last evaluated: 2022-09-06. Review status: criteria provided, single submitter. Criteria: Ambry Variant Classification Scheme 2023. Collection method: clinical testing. Allele origin: germline.

Labcorp Genetics (formerly Invitae), Labcorp
Classification: Uncertain significance for Evans syndrome, immunodeficiency, and premature immunosenescence associated with tripeptidyl-peptidase II deficiency. Last evaluated: 2022-03-19. Review status: criteria provided, single submitter. Criteria: Invitae Variant Classification Sherloc (09022015). Collection method: clinical testing. Allele origin: germline.
Comment: In summary, the available evidence is currently insufficient to determine the role of this variant in disease. Therefore, it has been classified as a Variant of Uncertain Significance. Algorithms developed to predict the effect of missense changes on protein structure and function (SIFT, PolyPhen-2, Align-GVGD) all suggest that this variant is likely to be tolerated. ClinVar contains an entry for this variant (Variation ID: 1041354). This variant has not been reported in the literature in individuals affected with TPP2-related conditions. This variant is present in population databases (no rsID available, gnomAD 0.003%). This sequence change replaces histidine, which is basic and polar, with arginine, which is basic and polar, at codon 1134 of the TPP2 protein (p.His1134Arg).

NM_001330588.2(TPP2):c.3440A>G (p.His1147Arg)

Gene: TPP2 (tripeptidyl peptidase 2; plus strand). Cytogenetic location: 13q33.1.
Variant type: single nucleotide variant.
Coding change: c.3440A>G on transcript NM_001330588.2 (MANE Select); coding-DNA position 3440, A replaced by G.
Protein change: p.His1147Arg; replaces histidine 1147 with arginine.
Molecular consequence: missense variant. On other transcripts: non-coding transcript variant (1).
Genome position (GRCh38, 1-based): chr13:102,674,351, A>G. VCF-style: chr13-102674351-A-G. GRCh37 (hg19) VCF-style: chr13-103326701-A-G.
Other names: c.3527A>G, p.His1176Arg (NM_001367947.1); c.3401A>G, p.His1134Arg (NM_003291.4); c.3401A>G (NM_003291.2); short protein forms H1134R, H1147R, H1176R.
Identifiers: ClinVar variation 1041354 (VCV001041354.11), dbSNP rs1202594655, ClinGen allele CA388511921.